The following is an entry in ClinVar:

NM_032314.4(COQ5):c.32del (p.Ser11fs)

Gene: COQ5 (coenzyme Q5, methyltransferase; minus strand). Cytogenetic location: 12q24.31.
Variant type: Deletion.
Coding change: c.32del on transcript NM_032314.4 (MANE Select); coding-DNA position 32, one base deleted (G; older notation c.32delG).
Protein change: p.Ser11fs; shifts the reading frame from serine 11.
Molecular consequence: frameshift variant.
Genome position (GRCh38, 1-based): chr12:120,529,110, C deleted on the plus strand (G on the coding strand, the reverse complement: COQ5 is on the minus strand). VCF-style (leftmost placement, unchanged base first): chr12-120529109-GC-G. GRCh37 (hg19) VCF-style: chr12-120966912-GC-G.
Other names: c.32delG (NM_032314.4); short protein forms S11fs.
Identifiers: ClinVar variation 3911949 (VCV003911949.2).

ClinVar aggregate classification (germline): Uncertain significance (1 of 4 stars; one submission).

Submission:

Women's Health and Genetics/Laboratory Corporation of America, LabCorp
Classification: Uncertain significance. Last evaluated: 2025-07-03. Review status: criteria provided, single submitter. Criteria: LabCorp Variant Classification Summary - May 2015. Collection method: clinical testing. Allele origin: germline.
Comment: Variant summary: COQ5 c.32delG (p.Ser11ThrfsX28) results in a premature termination codon, predicted to cause a truncation of the encoded protein or absence of the protein due to nonsense mediated decay, however current evidence is not sufficient to establish loss of function as a mechanism for disease. The variant was absent in 249512 control chromosomes (gnomAD). The available data on variant occurrences in the general population are insufficient to allow any conclusion about variant significance. To our knowledge, no occurrence of c.32delG in individuals affected with Coenzyme Q10 Deficiency, Primary, 9 and no experimental evidence demonstrating its impact on protein function have been reported. No submitters have cited clinical-significance assessments for this variant to ClinVar. Based on the evidence outlined above, the variant was classified as uncertain significance.